The following is an entry in ClinVar:

NM_021076.4(NEFH):c.2027C>G (p.Ser676Cys)

Gene: NEFH (neurofilament heavy chain; plus strand). Cytogenetic location: 22q12.2.
Variant type: single nucleotide variant.
Coding change: c.2027C>G on transcript NM_021076.4 (MANE Select); coding-DNA position 2027, C replaced by G.
Protein change: p.Ser676Cys; replaces serine 676 with cysteine.
Molecular consequence: missense variant.
Genome position (GRCh38, 1-based): chr22:29,489,667, C>G. VCF-style: chr22-29489667-C-G. GRCh37 (hg19) VCF-style: chr22-29885656-C-G.
Other names: short protein forms S676C.
Identifiers: ClinVar variation 2120893 (VCV002120893.4), dbSNP rs2063067239, ClinGen allele CA411133316.

ClinVar aggregate classification (germline): Uncertain significance (1 of 4 stars; one submission).

Submission:

Labcorp Genetics (formerly Invitae), Labcorp
Classification: Uncertain significance. Last evaluated: 2022-04-13. Review status: criteria provided, single submitter. Criteria: Invitae Variant Classification Sherloc (09022015). Collection method: clinical testing. Allele origin: germline.
Comment: In summary, the available evidence is currently insufficient to determine the role of this variant in disease. Therefore, it has been classified as a Variant of Uncertain Significance. Advanced modeling of protein sequence and biophysical properties (such as structural, functional, and spatial information, amino acid conservation, physicochemical variation, residue mobility, and thermodynamic stability) performed at Invitae indicates that this missense variant is not expected to disrupt NEFH protein function. This variant has not been reported in the literature in individuals affected with NEFH-related conditions. This variant is not present in population databases (gnomAD no frequency). This sequence change replaces serine, which is neutral and polar, with cysteine, which is neutral and slightly polar, at codon 676 of the NEFH protein (p.Ser676Cys).